The following is an entry in ClinVar:

NM_000718.4(CACNA1B):c.787G>A (p.Val263Met)

Gene: CACNA1B (calcium voltage-gated channel subunit alpha1 B; plus strand). Cytogenetic location: 9q34.3.
Variant type: single nucleotide variant.
Coding change: c.787G>A on transcript NM_000718.4 (MANE Select); coding-DNA position 787, G replaced by A.
Protein change: p.Val263Met; replaces valine 263 with methionine.
Molecular consequence: missense variant.
Genome position (GRCh38, 1-based): chr9:137,917,252, G>A. VCF-style: chr9-137917252-G-A. GRCh37 (hg19) VCF-style: chr9-140811704-G-A.
Other names: c.787G>A, p.Val263Met (NM_001243812.2); short protein forms V263M.
Identifiers: ClinVar variation 1366709 (VCV001366709.3), dbSNP rs201307791, ClinGen allele CA5375969.

ClinVar aggregate classification (germline): Uncertain significance (1 of 4 stars; one submission).

Allele frequency attached by ClinVar (database versions not stated): ExAC 0.00002; gnomAD exomes 0.00002; gnomAD 0.00004; TOPMed 0.00004; 1000 Genomes Project 0.00020; 1000 Genomes Project 30x 0.00031.

Submission:

Labcorp Genetics (formerly Invitae), Labcorp
Classification: Uncertain significance. Last evaluated: 2021-12-29. Review status: criteria provided, single submitter. Criteria: Invitae Variant Classification Sherloc (09022015). Collection method: clinical testing. Allele origin: germline.
Comment: This sequence change replaces valine, which is neutral and non-polar, with methionine, which is neutral and non-polar, at codon 263 of the CACNA1B protein (p.Val263Met). This variant is present in population databases (rs201307791, gnomAD 0.006%). This variant has not been reported in the literature in individuals affected with CACNA1B-related conditions. Advanced modeling of protein sequence and biophysical properties (such as structural, functional, and spatial information, amino acid conservation, physicochemical variation, residue mobility, and thermodynamic stability) performed at Invitae indicates that this missense variant is not expected to disrupt CACNA1B protein function. In summary, the available evidence is currently insufficient to determine the role of this variant in disease. Therefore, it has been classified as a Variant of Uncertain Significance.